The following is an entry in ClinVar:

ClinVar aggregate classification (germline): Uncertain significance (1 of 4 stars; one submission).

Conditions:
Congenital muscular dystrophy due to integrin alpha-7 deficiency. Also called: MYOPATHY, CONGENITAL, DUE TO INTEGRIN ALPHA-7 DEFICIENCY; Congenital muscular dystrophy with integrin alpha-7 deficiency; Muscular dystrophy, congenital, due to ITGA7 deficiency. Identifiers: Orphanet 34520, MedGen C2750786, MONDO:0013177, OMIM 613204.

Allele frequency attached by ClinVar (database versions not stated): TOPMed below 0.00001; ExAC 0.00001; gnomAD 0.00001.
gnomAD v4.1: 8 of 1,614,058 alleles (0.0005%); highest among the groups gnomAD compares: Non-Finnish European, 0.00059%; no homozygotes.

Submission:

Labcorp Genetics (formerly Invitae), Labcorp
Classification: Uncertain significance for Congenital muscular dystrophy due to integrin alpha-7 deficiency. Last evaluated: 2023-09-27. Review status: criteria provided, single submitter. Criteria: Invitae Variant Classification Sherloc (09022015). Collection method: clinical testing. Allele origin: germline.
Comment: This variant has not been reported in the literature in individuals affected with ITGA7-related conditions. This variant is present in population databases (rs760543610, gnomAD 0.0009%). This sequence change replaces glycine, which is neutral and non-polar, with valine, which is neutral and non-polar, at codon 1097 of the ITGA7 protein (p.Gly1097Val). An algorithm developed to predict the effect of missense changes on protein structure and function (PolyPhen-2) suggests that this variant is likely to be disruptive. In summary, the available evidence is currently insufficient to determine the role of this variant in disease. Therefore, it has been classified as a Variant of Uncertain Significance.

NM_002206.3(ITGA7):c.3290G>T (p.Gly1097Val)

Gene: ITGA7 (integrin subunit alpha 7; minus strand). Cytogenetic location: 12q13.2.
Variant type: single nucleotide variant.
Coding change: c.3290G>T on transcript NM_002206.3 (MANE Select); coding-DNA position 3290, G replaced by T.
Protein change: p.Gly1097Val; replaces glycine 1097 with valine.
Molecular consequence: missense variant.
Genome position (GRCh38, 1-based): chr12:55,685,182, C>A on the plus strand (G>T on the coding strand, the complement: ITGA7 is on the minus strand). VCF-style: chr12-55685182-C-A. GRCh37 (hg19) VCF-style: chr12-56078966-C-A.
Other names: c.3302G>T, p.Gly1101Val (NM_001144996.2); c.3011G>T, p.Gly1004Val (NM_001144997.2); c.2963G>T, p.Gly988Val (NM_001367993.1); c.1946G>T, p.Gly649Val (NM_001367994.1); c.3272G>T, p.Gly1091Val (NM_001374465.1); c.3422G>T, p.Gly1141Val (NM_001410977.1); c.3284G>T, p.Gly1095Val (NM_001414029.1); c.3215G>T, p.Gly1072Val (NM_001414030.1); and 5 more; short protein forms G1036V, G1141V, G988V, G1004V, G1057V, G1068V, G649V, G1072V.
Identifiers: ClinVar variation 2782531 (VCV002782531.2), dbSNP rs760543610, ClinGen allele CA6615252.